The following is an entry in ClinVar:

ClinVar aggregate classification (germline): Likely benign. Review status: criteria provided, single submitter (1 of 4 stars). 2 submissions from 2 submitters: Likely benign (1). 1 of the submissions does not count toward it.

Conditions:
SHROOM2-related disorder. Also called: SHROOM2-related condition.

Allele frequency attached by ClinVar (database versions not stated): 1000 Genomes Project 30x 0.00125; ESP Exome Variant Server 0.00142; 1000 Genomes Project 0.00159.
gnomAD v4.1: 307 of 1,211,157 alleles (0.025%); highest among the groups gnomAD compares: African/African-American, 0.47%; no homozygotes.

Submissions (2):

Breakthrough Genomics
Classification: Likely benign. Review status: criteria provided, single submitter. Criteria: ACMG Guidelines, 2015. Collection method: not provided. Allele origin: germline. Inheritance: Unknown mechanism. Affected: yes.

PreventionGenetics, part of Exact Sciences
Classification: Likely benign for SHROOM2-related condition. Last evaluated: 2022-03-16. Review status: no assertion criteria provided. Collection method: clinical testing. Allele origin: germline. Not counted in ClinVar's aggregate classification.
Comment: This variant is classified as likely benign based on ACMG/AMP sequence variant interpretation guidelines (Richards et al. 2015 PMID: 25741868, with internal and published modifications).

NM_001649.4(SHROOM2):c.2453T>G (p.Leu818Arg)

Gene: SHROOM2 (shroom family member 2; plus strand). Cytogenetic location: Xp22.2.
Variant type: single nucleotide variant.
Coding change: c.2453T>G on transcript NM_001649.4 (MANE Select); coding-DNA position 2453, T replaced by G.
Protein change: p.Leu818Arg; replaces leucine 818 with arginine.
Molecular consequence: missense variant.
Genome position (GRCh38, 1-based): chrX:9,896,361, T>G. VCF-style: chrX-9896361-T-G. GRCh37 (hg19) VCF-style: chrX-9864401-T-G.
Other names: short protein forms L818R.
Identifiers: ClinVar variation 3052825 (VCV003052825.3), dbSNP rs61744804, ClinGen allele CA10345553.